The following is an entry in ClinVar:

NM_000435.3(NOTCH3):c.*23T>A

Gene: NOTCH3 (notch receptor 3; minus strand). Cytogenetic location: 19p13.12.
Variant type: single nucleotide variant.
Coding change: c.*23T>A on transcript NM_000435.3 (MANE Select); 23 bases downstream of the stop codon, T replaced by A.
Molecular consequence: 3 prime UTR variant.
Genome position (GRCh38, 1-based): chr19:15,160,639, A>T on the plus strand (T>A on the coding strand, the complement: NOTCH3 is on the minus strand). VCF-style: chr19-15160639-A-T. GRCh37 (hg19) VCF-style: chr19-15271450-A-T.
Identifiers: ClinVar variation 328370 (VCV000328370.13), dbSNP rs73504084, ClinGen allele CA9262255.

ClinVar aggregate classification (germline): Benign/Likely benign. Review status: criteria provided, multiple submitters, no conflicts (2 of 4 stars). 3 submissions from 3 submitters: Benign (2); Likely benign (1). Last evaluated 2021-05-22.

Conditions:
Cerebral arteriopathy, autosomal dominant, with subcortical infarcts and leukoencephalopathy, type 1 (CADASIL1). Also called: CADASIL 1; Cerebral arteriopathy with subcortical infarcts and leukoencephalopathy 1; CASIL; DEMENTIA, HEREDITARY MULTIINFARCT TYPE. Identifiers: Orphanet 136, MedGen C4551768, MONDO:0000914, OMIM 125310.

Allele frequency attached by ClinVar (database versions not stated): gnomAD 0.00989 and 0.00911; gnomAD exomes 0.00221; 1000 Genomes Project 30x 0.00890; ExAC 0.00282; ESP Exome Variant Server 0.01077; 1000 Genomes Project 0.00919; TOPMed 0.01019.
gnomAD v4.1: 2,657 of 1,594,928 alleles (0.17%); highest among the groups gnomAD compares: African/African-American, 3.2%; 46 homozygotes.

Submissions (3):

GeneDx
Classification: Likely benign. Last evaluated: 2021-05-22. Review status: criteria provided, single submitter. Criteria: GeneDx Variant Classification Process June 2021. Collection method: clinical testing. Allele origin: germline. Affected: yes.
Comment: See Variant Classification Assertion Criteria.

ARUP Laboratories, Molecular Genetics and Genomics, ARUP Laboratories
Classification: Benign. Last evaluated: 2020-03-05. Review status: criteria provided, single submitter. Criteria: ARUP Molecular Germline Variant Investigation Process. Collection method: clinical testing. Allele origin: germline.

Illumina Laboratory Services, Illumina
Classification: Benign for Cerebral arteriopathy, autosomal dominant, with subcortical infarcts and leukoencephalopathy, type 1. Last evaluated: 2018-01-13. Review status: criteria provided, single submitter. Criteria: ICSL Variant Classification Criteria 13 December 2019. Collection method: clinical testing. Allele origin: germline.
Comment: This variant was observed in the ICSL laboratory as part of a predisposition screen in an ostensibly healthy population. It had not been previously curated by ICSL or reported in the Human Gene Mutation Database (HGMD: prior to June 1st, 2018), and was therefore a candidate for classification through an automated scoring system. Utilizing variant allele frequency, disease prevalence and penetrance estimates, and inheritance mode, an automated score was calculated to assess if this variant is too frequent to cause the disease. Based on the score and internal cut-off values, a variant classified as benign is not then subjected to further curation. The score for this variant resulted in a classification of benign for this disease.